The following is an entry in ClinVar:

NM_004183.4(BEST1):c.226A>G (p.Ile76Val)

Gene: BEST1 (bestrophin 1; plus strand). Cytogenetic location: 11q12.3.
Variant type: single nucleotide variant.
Coding change: c.226A>G on transcript NM_004183.4 (MANE Select); coding-DNA position 226, A replaced by G.
Protein change: p.Ile76Val; replaces isoleucine 76 with valine.
Molecular consequence: missense variant. On other transcripts: non-coding transcript variant (1).
Genome position (GRCh38, 1-based): chr11:61,955,180, A>G. VCF-style: chr11-61955180-A-G. GRCh37 (hg19) VCF-style: chr11-61722652-A-G.
Other names: c.46A>G, p.Ile16Val (NM_001139443.3, NM_001300786.2, NM_001300787.2); c.226A>G, p.Ile76Val (NM_001363592.2); short protein forms I16V, I76V.
Identifiers: ClinVar variation 3721039 (VCV003721039.2).
Genomic context (GRCh38, chr11:61,955,180, plus strand): 5'-GAAGAACAACAGCTGATGTTTGAGAAACTGACTCTGTATTGCGACAGCTACATCCAGCTC[A>G]TCCCCATTTCCTTCGTGCTGGGTGAGTTCCCCCTTCTGGCTGTTCCGGGTCCCTGTGGCC-3'
Protein context (NP_004174.1, residues 66-86): TLYCDSYIQL[Ile76Val]PISFVLGFYV

ClinVar aggregate classification (germline): Likely pathogenic (1 of 4 stars; one submission).

Submission:

Labcorp Genetics (formerly Invitae), Labcorp
Classification: Likely pathogenic. Last evaluated: 2025-04-30. Review status: criteria provided, single submitter. Criteria: Invitae Variant Classification Sherloc (09022015). Collection method: clinical testing. Allele origin: germline.
Comment: This sequence change replaces isoleucine, which is neutral and non-polar, with valine, which is neutral and non-polar, at codon 76 of the BEST1 protein (p.Ile76Val). This variant is not present in population databases (gnomAD no frequency). This missense change has been observed in individual(s) with Best vitelliform macular dystrophy (PMID: 21109774). ClinVar contains an entry for this variant (Variation ID: 3721039). Invitae Evidence Modeling of protein sequence and biophysical properties (such as structural, functional, and spatial information, amino acid conservation, physicochemical variation, residue mobility, and thermodynamic stability) indicates that this missense variant is expected to disrupt BEST1 protein function with a positive predictive value of 95%. This variant disrupts the p.Ile76 amino acid residue in BEST1. Other variant(s) that disrupt this residue have been determined to be pathogenic (PMID: 21273940, 31519547). This suggests that this residue is clinically significant, and that variants that disrupt this residue are likely to be disease-causing. In summary, the currently available evidence indicates that the variant is pathogenic, but additional data are needed to prove that conclusively. Therefore, this variant has been classified as Likely Pathogenic.

Literature cited by the submitters: PubMed 21109774; PubMed 21273940; PubMed 31519547.